The following is an entry in ClinVar:

NM_001184880.2(PCDH19):c.1353G>A (p.Pro451=)

Gene: PCDH19 (protocadherin 19; minus strand). Cytogenetic location: Xq22.1.
Variant type: single nucleotide variant.
Coding change: c.1353G>A on transcript NM_001184880.2 (MANE Select); coding-DNA position 1353, G replaced by A.
Protein change: p.Pro451=; no amino-acid change (proline 451 retained).
Molecular consequence: synonymous variant.
Genome position (GRCh38, 1-based): chrX:100,407,245, C>T on the plus strand (G>A on the coding strand, the complement: PCDH19 is on the minus strand). VCF-style: chrX-100407245-C-T. GRCh37 (hg19) VCF-style: chrX-99662243-C-T.
Other names: c.1353G>A, p.Pro451= (NM_001105243.2, NM_020766.3).
Identifiers: ClinVar variation 379558 (VCV000379558.17), dbSNP rs373795773, ClinGen allele CA10468895.

ClinVar aggregate classification (germline): Benign/Likely benign. Review status: criteria provided, multiple submitters, no conflicts (2 of 4 stars). 7 submissions from 7 submitters: Benign (1); Likely benign (5). 1 of the submissions does not count toward it. Last evaluated 2025-12-10.

Conditions:
PCDH19-related disorder. Also called: PCDH19-related condition.
Inborn genetic diseases. Identifiers: MedGen C0950123, MeSH D030342.
Developmental and epileptic encephalopathy, 9 (DEE9). Also called: Early infantile epileptic encephalopathy 9; EPILEPSY, FEMALE-RESTRICTED, WITH MENTAL RETARDATION; JUBERG-HELLMAN SYNDROME; PCDH19-Related X-Linked Female-Limited Epilepsy with Mental Retardation. Identifiers: Orphanet 101039, Orphanet 2076, MedGen C1848137, MONDO:0010246, OMIM 300088. Disease mechanism: loss of function.

Allele frequency attached by ClinVar (database versions not stated): ESP Exome Variant Server 0.00010; gnomAD 0.00028 and 0.00031; TOPMed 0.00030.
gnomAD v4.1: 60 of 1,210,131 alleles (0.005%); highest among the groups gnomAD compares: African/African-American, 0.065%; no homozygotes.

Submissions (7):

Women's Health and Genetics/Laboratory Corporation of America, LabCorp
Classification: Likely benign. Last evaluated: 2025-12-10. Review status: criteria provided, single submitter. Criteria: LabCorp Variant Classification Summary - May 2015. Collection method: clinical testing. Allele origin: germline.

Labcorp Genetics (formerly Invitae), Labcorp
Classification: Likely benign for Developmental and epileptic encephalopathy, 9. Last evaluated: 2025-11-25. Review status: criteria provided, single submitter. Criteria: Invitae Variant Classification Sherloc (09022015). Collection method: clinical testing. Allele origin: germline.

GeneDx
Classification: Likely benign. Last evaluated: 2020-07-10. Review status: criteria provided, single submitter. Criteria: GeneDx Variant Classification Process June 2021. Collection method: clinical testing. Allele origin: germline. Affected: yes.

Athena Diagnostics
Classification: Benign. Last evaluated: 2018-05-14. Review status: criteria provided, single submitter. Criteria: Athena Diagnostics Criteria. Collection method: clinical testing. Allele origin: germline.

Ambry Genetics
Classification: Likely benign for Inborn genetic diseases. Last evaluated: 2017-12-17. Review status: criteria provided, single submitter. Criteria: Ambry Variant Classification Scheme 2023. Collection method: clinical testing. Allele origin: germline.

Breakthrough Genomics
Classification: Likely benign. Review status: criteria provided, single submitter. Criteria: ACMG Guidelines, 2015. Collection method: not provided. Allele origin: germline. Inheritance: X-linked inheritance. Affected: yes.

PreventionGenetics, part of Exact Sciences
Classification: Likely benign for PCDH19-related condition. Last evaluated: 2019-07-18. Review status: no assertion criteria provided. Collection method: clinical testing. Allele origin: germline. Not counted in ClinVar's aggregate classification.
Comment: This variant is classified as likely benign based on ACMG/AMP sequence variant interpretation guidelines (Richards et al. 2015 PMID: 25741868, with internal and published modifications).